The following is an entry in ClinVar:

NM_003737.4(DCHS1):c.9745G>C (p.Ala3249Pro)

Gene: DCHS1 (dachsous cadherin-related 1; minus strand). Cytogenetic location: 11p15.4.
Variant type: single nucleotide variant.
Coding change: c.9745G>C on transcript NM_003737.4 (MANE Select); coding-DNA position 9745, G replaced by C.
Protein change: p.Ala3249Pro; replaces alanine 3249 with proline.
Molecular consequence: missense variant.
Genome position (GRCh38, 1-based): chr11:6,621,931, C>G on the plus strand (G>C on the coding strand, the complement: DCHS1 is on the minus strand). VCF-style: chr11-6621931-C-G. GRCh37 (hg19) VCF-style: chr11-6643162-C-G.
Other names: short protein forms A3249P.
Identifiers: ClinVar variation 2833966 (VCV002833966.3), dbSNP rs188298100, ClinGen allele CA379478129.

ClinVar aggregate classification (germline): Uncertain significance (1 of 4 stars; one submission).

Submission:

Labcorp Genetics (formerly Invitae), Labcorp
Classification: Uncertain significance. Last evaluated: 2023-03-07. Review status: criteria provided, single submitter. Criteria: Invitae Variant Classification Sherloc (09022015). Collection method: clinical testing. Allele origin: germline.
Comment: In summary, the available evidence is currently insufficient to determine the role of this variant in disease. Therefore, it has been classified as a Variant of Uncertain Significance. Advanced modeling of protein sequence and biophysical properties (such as structural, functional, and spatial information, amino acid conservation, physicochemical variation, residue mobility, and thermodynamic stability) performed at Invitae indicates that this missense variant is not expected to disrupt DCHS1 protein function. This variant has not been reported in the literature in individuals affected with DCHS1-related conditions. This variant is not present in population databases (gnomAD no frequency). This sequence change replaces alanine, which is neutral and non-polar, with proline, which is neutral and non-polar, at codon 3249 of the DCHS1 protein (p.Ala3249Pro).